The following is an entry in ClinVar:

ClinVar aggregate classification (germline): Uncertain significance. Review status: criteria provided, multiple submitters, no conflicts (2 of 4 stars). 2 submissions from 2 submitters: Uncertain significance (2). Last evaluated 2024-11-24.

Conditions:
Hereditary cancer-predisposing syndrome. Also called: Tumor predisposition; Hereditary Cancer Syndrome; Hereditary neoplastic syndrome; Neoplastic Syndromes, Hereditary. Identifiers: Orphanet 140162, MedGen C0027672, MeSH D009386, MONDO:0015356.

Submissions (2):

Labcorp Genetics (formerly Invitae), Labcorp
Classification: Uncertain significance. Last evaluated: 2024-11-24. Review status: criteria provided, single submitter. Criteria: Invitae Variant Classification Sherloc (09022015). Collection method: clinical testing. Allele origin: germline.
Comment: This sequence change replaces threonine, which is neutral and polar, with proline, which is neutral and non-polar, at codon 118 of the SMARCB1 protein (p.Thr118Pro). This variant is not present in population databases (gnomAD no frequency). This variant has not been reported in the literature in individuals affected with SMARCB1-related conditions. ClinVar contains an entry for this variant (Variation ID: 1443874). Invitae Evidence Modeling of protein sequence and biophysical properties (such as structural, functional, and spatial information, amino acid conservation, physicochemical variation, residue mobility, and thermodynamic stability) indicates that this missense variant is not expected to disrupt SMARCB1 protein function with a negative predictive value of 80%. In summary, the available evidence is currently insufficient to determine the role of this variant in disease. Therefore, it has been classified as a Variant of Uncertain Significance.

Ambry Genetics
Classification: Uncertain significance for Hereditary cancer-predisposing syndrome. Last evaluated: 2023-08-14. Review status: criteria provided, single submitter. Criteria: Ambry Variant Classification Scheme 2023. Collection method: clinical testing. Allele origin: germline.
Comment: The p.T118P variant (also known as c.352A>C), located in coding exon 3 of the SMARCB1 gene, results from an A to C substitution at nucleotide position 352. The threonine at codon 118 is replaced by proline, an amino acid with highly similar properties. This amino acid position is not well conserved in available vertebrate species. In addition, the in silico prediction for this alteration is inconclusive. Missense and in-frame variants in SMARCB1 are known to cause neurodevelopmental disorders; however, such associations with rhabdoid tumor predisposition syndrome are exceedingly rare (Kosho T et al. Am J Med Genet C Semin Med Genet. 2014 Sep;166C(3):262-75; Eaton KW et al. Pediatr Blood Cancer. 2011 Jan;56(1):7-15). Based on the supporting evidence, the association of this alteration with Coffin-Siris syndrome is unknown; however, the association of this alteration with SMARCB1-related tumor predisposition syndrome is unlikely.

NM_003073.5(SMARCB1):c.352A>C (p.Thr118Pro)

Gene: SMARCB1 (SWI/SNF related BAF chromatin remodeling complex subunit B1; plus strand). Cytogenetic location: 22q11.23.
Variant type: single nucleotide variant.
Coding change: c.352A>C on transcript NM_003073.5 (MANE Select); coding-DNA position 352, A replaced by C.
Protein change: p.Thr118Pro; replaces threonine 118 with proline.
Molecular consequence: missense variant.
Genome position (GRCh38, 1-based): chr22:23,793,678, A>C. VCF-style: chr22-23793678-A-C. GRCh37 (hg19) VCF-style: chr22-24135865-A-C.
Other names: c.325A>C, p.Thr109Pro (NM_001007468.3, NM_001317946.2); c.352A>C, p.Thr118Pro (NM_001362877.2); c.352A>C (NM_003073.3); short protein forms T118P, T109P.
Identifiers: ClinVar variation 1443874 (VCV001443874.7), dbSNP rs761082514, ClinGen allele CA410934083.
Genomic context (GRCh38, chr22:23,793,678, plus strand): 5'-GAGATTCTGGATGGCAACGATGAGAAGTACAAGGCTGTGTCCATCAGCACAGAGCCCCCC[A>C]CCTACCTCAGGTAATGCGTTCCTGGCCAGGGCATCTCTGGGGACACCTGTGGGGTCTTTT-3'
Protein context (NP_003064.2, residues 108-128): KAVSISTEPP[Thr118Pro]YLREQKAKRN